The following is an entry in ClinVar:

NM_000254.3(MTR):c.3557del (p.Lys1186fs)

Gene: MTR (5-methyltetrahydrofolate-homocysteine methyltransferase; plus strand). Cytogenetic location: 1q43.
Variant type: Deletion.
Coding change: c.3557del on transcript NM_000254.3 (MANE Select); coding-DNA position 3557, one base deleted (A; older notation c.3557delA).
Protein change: p.Lys1186fs; shifts the reading frame from lysine 1186.
Molecular consequence: frameshift variant.
Genome position (GRCh38, 1-based): chr1:236,895,509, A deleted; the last of 2 consecutive A bases (chr1:236,895,508-236,895,509); deleting either gives the same sequence. VCF-style (leftmost placement, unchanged base first): chr1-236895507-GA-G. GRCh37 (hg19) VCF-style: chr1-237058807-GA-G.
Other names: c.3404del, p.Lys1135fs (NM_001291939.1); c.2336del, p.Lys779fs (NM_001291940.2); c.3368del, p.Lys1123fs (NM_001410942.1); short protein forms K1186fs, K1135fs, K1123fs, K779fs.
Identifiers: ClinVar variation 3717385 (VCV003717385.2).

ClinVar aggregate classification (germline): Pathogenic (1 of 4 stars; one submission).

Conditions:
Methylcobalamin deficiency type cblG (HMAG). Also called: HOMOCYSTINURIA-MEGALOBLASTIC ANEMIA, cblG TYPE; HOMOCYSTINURIA-MEGALOBLASTIC ANEMIA DUE TO DEFECT IN COBALAMIN METABOLISM, cblG COMPLEMENTATION TYPE; Functional methionine synthase deficiency type cblG; HOMOCYSTINURIA-MEGALOBLASTIC ANEMIA, cblG COMPLEMENTATION TYPE. Identifiers: Orphanet 2170, Orphanet 622, MedGen C1855128, MONDO:0009609, OMIM 250940.

Submission:

Labcorp Genetics (formerly Invitae), Labcorp
Classification: Pathogenic for Methylcobalamin deficiency type cblG. Last evaluated: 2024-02-19. Review status: criteria provided, single submitter. Criteria: Invitae Variant Classification Sherloc (09022015). Collection method: clinical testing. Allele origin: germline.
Comment: This sequence change creates a premature translational stop signal (p.Lys1186Serfs*18) in the MTR gene. It is expected to result in an absent or disrupted protein product. Loss-of-function variants in MTR are known to be pathogenic (PMID: 9683607, 12068375). This variant is present in population databases (no rsID available, gnomAD 0.004%). This variant has not been reported in the literature in individuals affected with MTR-related conditions. For these reasons, this variant has been classified as Pathogenic.

Literature cited by the submitters: PubMed 9683607; PubMed 12068375.